The following is an entry in ClinVar:

ClinVar aggregate classification (germline): Uncertain significance. Review status: criteria provided, multiple submitters, no conflicts (2 of 4 stars). 2 submissions from 2 submitters: Uncertain significance (2). Last evaluated 2026-02-26.

Conditions:
Inborn genetic diseases. Identifiers: MedGen C0950123, MeSH D030342.

Allele frequency attached by ClinVar (database versions not stated): gnomAD exomes below 0.00001.

Submissions (2):

Ambry Genetics
Classification: Uncertain significance for Inborn genetic diseases. Last evaluated: 2026-02-26. Review status: criteria provided, single submitter. Criteria: Ambry Variant Classification Scheme 2023. Collection method: clinical testing. Allele origin: germline.

GeneDx
Classification: Uncertain significance. Last evaluated: 2025-01-24. Review status: criteria provided, single submitter. Criteria: GeneDx Variant Classification Process June 2021. Collection method: clinical testing. Allele origin: germline.
Comment: Not observed at significant frequency in large population cohorts (gnomAD); In silico analysis supports that this missense variant has a deleterious effect on protein structure/function; Has not been previously published as pathogenic or benign to our knowledge

NM_001003694.2(BRPF1):c.544C>T (p.Arg182Trp)

Gene: BRPF1 (bromodomain and PHD finger containing 1; plus strand). Cytogenetic location: 3p25.3.
Variant type: single nucleotide variant.
Coding change: c.544C>T on transcript NM_001003694.2 (MANE Select); coding-DNA position 544, C replaced by T.
Protein change: p.Arg182Trp; replaces arginine 182 with tryptophan.
Molecular consequence: missense variant. On other transcripts: non-coding transcript variant (1).
Genome position (GRCh38, 1-based): chr3:9,734,684, C>T. VCF-style: chr3-9734684-C-T. GRCh37 (hg19) VCF-style: chr3-9776368-C-T.
Other names: c.544C>T, p.Arg182Trp (NM_001319049.2, NM_001319050.2, NM_001410704.1 and 1 more transcripts); short protein forms R182W.
Identifiers: ClinVar variation 1804632 (VCV001804632.3), dbSNP rs1247866384, ClinGen allele CA351681415.